The following is an entry in ClinVar:

NM_001110556.2(FLNA):c.5617C>T (p.Pro1873Ser)

Gene: FLNA (filamin A; minus strand). Cytogenetic location: Xq28.
Variant type: single nucleotide variant.
Coding change: c.5617C>T on transcript NM_001110556.2 (MANE Select); coding-DNA position 5617, C replaced by T.
Protein change: p.Pro1873Ser; replaces proline 1873 with serine.
Molecular consequence: missense variant.
Genome position (GRCh38, 1-based): chrX:154,353,984, G>A on the plus strand (C>T on the coding strand, the complement: FLNA is on the minus strand). VCF-style: chrX-154353984-G-A. GRCh37 (hg19) VCF-style: chrX-153582352-G-A.
Other names: c.5593C>T, p.Pro1865Ser (NM_001456.4); short protein forms P1865S, P1873S.
Identifiers: ClinVar variation 4056306 (VCV004056306.1).

ClinVar aggregate classification (germline): Uncertain significance (1 of 4 stars; one submission).

Conditions:
Incidental Discovery. Identifiers: MedGen C1135954.

Submission:

Clinical Genetics Laboratory, Skane University Hospital Lund
Classification: Uncertain significance for Incidental Discovery. Last evaluated: 2025-07-10. Review status: criteria provided, single submitter. Criteria: ACMG Guidelines, 2015. Collection method: clinical testing. Allele origin: maternal.
Comment: ACMG criteria applied: PM2, PP3